The following is an entry in ClinVar:

NM_003470.3(USP7):c.3088A>C (p.Ile1030Leu)

Gene: USP7 (ubiquitin specific peptidase 7; minus strand). Cytogenetic location: 16p13.2.
Variant type: single nucleotide variant.
Coding change: c.3088A>C on transcript NM_003470.3 (MANE Select); coding-DNA position 3088, A replaced by C.
Protein change: p.Ile1030Leu; replaces isoleucine 1030 with leucine.
Molecular consequence: missense variant. On other transcripts: non-coding transcript variant (1).
Genome position (GRCh38, 1-based): chr16:8,894,807, T>G on the plus strand (A>C on the coding strand, the complement: USP7 is on the minus strand). VCF-style: chr16-8894807-T-G. GRCh37 (hg19) VCF-style: chr16-8988664-T-G.
Other names: c.3040A>C, p.Ile1014Leu (NM_001286457.2); c.2791A>C, p.Ile931Leu (NM_001286458.2); c.2914A>C, p.Ile972Leu (NM_001321858.2); short protein forms I1014L, I1030L, I931L, I972L.
Identifiers: ClinVar variation 2571683 (VCV002571683.1), dbSNP rs2549212899, ClinGen allele CA394695431.
Genomic context (GRCh38, chr16:8,894,807, plus strand): 5'-TGGCCCGCCAAGCCCCCAGGAGGCCCCAGCTGCACACCTTCTCAAACTCCTTCTCCTGGA[T>G]GTCCAGCAGGCTCTGGATTCGCTTCATCACTTCTCGAAAATGCTCGCCCTAGAATGGCAA-3'
Protein context (NP_003461.2, residues 1020-1040): VMKRIQSLLD[Ile1030Leu]QEKEFEKFKF

ClinVar aggregate classification (germline): Uncertain significance (1 of 4 stars; one submission).

Submission:

GeneDx
Classification: Uncertain significance. Last evaluated: 2023-01-04. Review status: criteria provided, single submitter. Criteria: GeneDx Variant Classification Process June 2021. Collection method: clinical testing. Allele origin: germline. Affected: yes.
Comment: Not observed at significant frequency in large population cohorts (gnomAD); In silico analysis supports that this missense variant does not alter protein structure/function; Has not been previously published as pathogenic or benign to our knowledge